The following is an entry in ClinVar:

ClinVar aggregate classification (germline): Conflicting classifications of pathogenicity. Review status: criteria provided, conflicting classifications (1 of 4 stars). 2 submissions from 2 submitters: Likely pathogenic (1); Uncertain significance (1). Last evaluated 2024-04-11.

Conditions:
Kabuki syndrome. Also called: Kabuki make-up syndrome; NIIKAWA-KUROKI SYNDROME. Identifiers: Orphanet 2322, MedGen C0796004, MONDO:0016512.

Allele frequency attached by ClinVar (database versions not stated): TOPMed below 0.00001.

Submissions (2):

Labcorp Genetics (formerly Invitae), Labcorp
Classification: Uncertain significance for Kabuki syndrome. Last evaluated: 2024-04-11. Review status: criteria provided, single submitter. Criteria: Invitae Variant Classification Sherloc (09022015). Collection method: clinical testing. Allele origin: germline.
Comment: This sequence change replaces arginine, which is basic and polar, with tryptophan, which is neutral and slightly polar, at codon 191 of the KMT2D protein (p.Arg191Trp). This variant is not present in population databases (gnomAD no frequency). This variant has not been reported in the literature in individuals affected with KMT2D-related conditions. ClinVar contains an entry for this variant (Variation ID: 449928). Advanced modeling of protein sequence and biophysical properties (such as structural, functional, and spatial information, amino acid conservation, physicochemical variation, residue mobility, and thermodynamic stability) has been performed at Invitae for this missense variant, however the output from this modeling did not meet the statistical confidence thresholds required to predict the impact of this variant on KMT2D protein function. In summary, the available evidence is currently insufficient to determine the role of this variant in disease. Therefore, it has been classified as a Variant of Uncertain Significance.

GeneDx
Classification: Likely pathogenic. Last evaluated: 2017-04-20. Review status: criteria provided, single submitter. Criteria: GeneDx Variant Classification (06012015). Collection method: clinical testing. Allele origin: germline. Affected: yes.
Comment: The R191W variant in the KMT2D gene has not been reported previously as a pathogenic variant, nor as a benign variant, to our knowledge. This variant is not observed in large population cohorts (Lek et al., 2016; 1000 Genomes Consortium et al., 2015; Exome Variant Server). Although in silico analysis is inconsistent in its predictions as to whether or not the R191W variant is damaging to the protein structure/function, this variant is a non-conservative amino acid substitution, which is likely to impact secondary protein structure as these residues differ in polarity, charge, size and/or other properties. Additionally, this substitution occurs at a position that is conserved across species. We interpret R191W as a likely pathogenic variant.

NM_003482.4(KMT2D):c.571C>T (p.Arg191Trp)

Gene: KMT2D (lysine methyltransferase 2D; minus strand). Cytogenetic location: 12q13.12.
Variant type: single nucleotide variant.
Coding change: c.571C>T on transcript NM_003482.4 (MANE Select); coding-DNA position 571, C replaced by T.
Protein change: p.Arg191Trp; replaces arginine 191 with tryptophan.
Molecular consequence: missense variant.
Genome position (GRCh38, 1-based): chr12:49,054,080, G>A on the plus strand (C>T on the coding strand, the complement: KMT2D is on the minus strand). VCF-style: chr12-49054080-G-A. GRCh37 (hg19) VCF-style: chr12-49447863-G-A.
Other names: short protein forms R191W.
Identifiers: ClinVar variation 449928 (VCV000449928.6), dbSNP rs1555198522, ClinGen allele CA384685625.
Genomic context (GRCh38, chr12:49,054,080, plus strand): 5'-GCAGTGTTTTCATGGATAGGAAGGAACCGCTGGCAGTCGCGCAGGGGAAGTGGTAAAGCC[G>A]TGGACATCCAGGTGAGCGGCAAGGGATGGAGGCACCGAGCCTGGTGCAGTGGGAGCAGCG-3'
Protein context (NP_003473.3, residues 181-201): SIPCRSPGCP[Arg191Trp]LYHFPCATAS